The following is an entry in ClinVar:

ClinVar aggregate classification (germline): Pathogenic (1 of 4 stars; one submission).

Conditions:
Familial cancer of breast. Also called: BREAST CANCER, FAMILIAL; Hereditary breast cancer; hereditary breast carcinoma. Identifiers: Orphanet 227535, MedGen C0346153, MONDO:0016419, OMIM 114480. Disease mechanism: loss of function.

Submission:

Myriad Genetics, Inc.
Classification: Pathogenic for Familial cancer of breast. Last evaluated: 2024-01-25. Review status: criteria provided, single submitter. Criteria: Myriad Autosomal Dominant, Autosomal Recessive and X-Linked Classification Criteria (2023). Collection method: clinical testing. Allele origin: unknown.
Comment: This variant is considered pathogenic. This variant creates a frameshift predicted to result in premature protein truncation.

NM_000051.4(ATM):c.5650del (p.Thr1884fs)

Gene: ATM (ATM serine/threonine kinase; plus strand). Cytogenetic location: 11q22.3.
Variant type: Deletion.
Coding change: c.5650del on transcript NM_000051.4 (MANE Select); coding-DNA position 5650, one base deleted (A; older notation c.5650delA).
Protein change: p.Thr1884fs; shifts the reading frame from threonine 1884.
Molecular consequence: frameshift variant.
Genome position (GRCh38, 1-based): chr11:108,304,828, A deleted. VCF-style (leftmost placement, unchanged base first): chr11-108304827-CA-C. GRCh37 (hg19) VCF-style: chr11-108175554-CA-C.
Other names: c.5650del, p.Thr1884fs (NM_001351834.2); short protein forms T1884fs.
Identifiers: ClinVar variation 3148209 (VCV003148209.1), dbSNP rs2546988381, ClinGen allele CA2825001913.
Genomic context (GRCh38, chr11:108,304,827, plus strand): 5'-TACACATGTTCAGGGATTTTTCACCAGCTGTCTTCGACACTTCTCGCAAACGAGCCGATC[CA>C]CAACCCCTGCAAACTTGGATTCAGGTATTCTATTAAATTTTTAACATTAATACTGTAAAC-3'